The following is an entry in ClinVar:

ClinVar aggregate classification (germline): Uncertain significance (1 of 4 stars; one submission).

Submission:

Labcorp Genetics (formerly Invitae), Labcorp
Classification: Uncertain significance. Last evaluated: 2025-06-02. Review status: criteria provided, single submitter. Criteria: Invitae Variant Classification Sherloc (09022015). Collection method: clinical testing. Allele origin: germline.
Comment: This sequence change replaces proline, which is neutral and non-polar, with alanine, which is neutral and non-polar, at codon 31 of the MBD4 protein (p.Pro31Ala). This variant is not present in population databases (gnomAD no frequency). This variant has not been reported in the literature in individuals affected with MBD4-related conditions. An algorithm developed to predict the effect of missense changes on protein structure and function (PolyPhen-2) suggests that this variant is likely to be tolerated. In summary, the available evidence is currently insufficient to determine the role of this variant in disease. Therefore, it has been classified as a Variant of Uncertain Significance.

NM_001276270.2(MBD4):c.91C>G (p.Pro31Ala)

Gene: MBD4 (methyl-CpG binding domain 4, DNA glycosylase; minus strand). Cytogenetic location: 3q21.3.
Variant type: single nucleotide variant.
Coding change: c.91C>G on transcript NM_001276270.2 (MANE Select); coding-DNA position 91, C replaced by G.
Protein change: p.Pro31Ala; replaces proline 31 with alanine.
Molecular consequence: missense variant.
Genome position (GRCh38, 1-based): chr3:129,439,743, G>C on the plus strand (C>G on the coding strand, the complement: MBD4 is on the minus strand). VCF-style: chr3-129439743-G-C. GRCh37 (hg19) VCF-style: chr3-129158586-G-C.
Other names: c.91C>G, p.Pro31Ala (NM_001276271.2, NM_001276272.2, NM_001276273.2 and 1 more transcripts); short protein forms P31A.
Identifiers: ClinVar variation 4805639 (VCV004805639.1).
Genomic context (GRCh38, chr3:129,439,743, plus strand): 5'-ATTTTACAGGTGGTGAAACTGAGGCCCAAAAGGGGACAGTAACTTACCGGAGGTCATTCG[G>C]CGGGTCTGGGACTAGGCGCTCACTAGAGGTGACGGTGGGGGCAGCTCCGCGGTCCCCCAG-3'
Protein context (NP_001263199.1, residues 21-41): TSSERLVPDP[Pro31Ala]NDLRKEDVAM